The following is an entry in ClinVar:

ClinVar aggregate classification (germline): Conflicting classifications of pathogenicity. Review status: criteria provided, conflicting classifications (1 of 4 stars). 3 submissions from 3 submitters: Uncertain significance (2); Likely benign (1). Last evaluated 2024-07-02.

Conditions:
Noonan syndrome 6 (NS6). Also called: NRAS-Related Noonan Syndrome. Identifiers: Orphanet 648, MedGen C2750732, MONDO:0013186, OMIM 613224.
RASopathy. Also called: rasopathies; Noonan spectrum disorder. Identifiers: Orphanet 536391, MedGen C5555857, MONDO:0021060.

Allele frequency attached by ClinVar (database versions not stated): gnomAD exomes 0.00001; TOPMed 0.00001; ExAC 0.00002; gnomAD 0.00002; 1000 Genomes Project 30x 0.00016; 1000 Genomes Project 0.00020.
gnomAD v4.1: 44 of 1,583,994 alleles (0.0028%); highest among the groups gnomAD compares: East Asian, 0.099%; no homozygotes.

Submissions (3):

Labcorp Genetics (formerly Invitae), Labcorp
Classification: Likely benign for RASopathy. Last evaluated: 2024-07-02. Review status: criteria provided, single submitter. Criteria: Invitae Variant Classification Sherloc (09022015). Collection method: clinical testing. Allele origin: germline.

GeneDx
Classification: Uncertain significance. Last evaluated: 2020-11-11. Review status: criteria provided, single submitter. Criteria: GeneDx Variant Classification Process June 2021. Collection method: clinical testing. Allele origin: germline. Affected: yes.
Comment: Has not been previously published as pathogenic or benign to our knowledge; In silico analysis supports a deleterious effect on splicing

Illumina Laboratory Services, Illumina
Classification: Uncertain significance for Noonan syndrome 6. Last evaluated: 2018-01-12. Review status: criteria provided, single submitter. Criteria: ICSL Variant Classification Criteria 13 December 2019. Collection method: clinical testing. Allele origin: germline.

NM_002524.5(NRAS):c.112-6C>G

Gene: NRAS (NRAS proto-oncogene, GTPase; minus strand). Cytogenetic location: 1p13.2.
Variant type: single nucleotide variant.
Coding change: c.112-6C>G on transcript NM_002524.5 (MANE Select); 6 bases into the intron before coding-DNA position 112, C replaced by G.
Molecular consequence: intron variant.
Genome position (GRCh38, 1-based): chr1:114,713,984, G>C on the plus strand (C>G on the coding strand, the complement: NRAS is on the minus strand). VCF-style: chr1-114713984-G-C. GRCh37 (hg19) VCF-style: chr1-115256605-G-C.
Identifiers: ClinVar variation 876240 (VCV000876240.11), dbSNP rs200604652, ClinGen allele CA1020759.